The following is an entry in ClinVar:

NM_181741.4(ORC4):c.914dup (p.Ser306fs)

Gene: ORC4 (origin recognition complex subunit 4; minus strand). Cytogenetic location: 2q23.1.
Variant type: Duplication.
Coding change: c.914dup on transcript NM_181741.4 (MANE Select); coding-DNA position 914, one base duplicated (C; older notation c.914dupC).
Protein change: p.Ser306fs; shifts the reading frame from serine 306.
Molecular consequence: frameshift variant.
Genome position (GRCh38, 1-based): chr2:147,939,184, G duplicated on the plus strand (C on the coding strand, the reverse complement: ORC4 is on the minus strand). VCF-style (leftmost placement, unchanged base first): chr2-147939183-T-TG. GRCh37 (hg19) VCF-style: chr2-148696752-T-TG.
Other names: c.662dup, p.Ser222fs (NM_001374272.1, NM_001190881.3); c.914dup, p.Ser306fs (NM_002552.5, NM_001190879.3, NM_001374270.1); c.914dup, p.Ser306Lysfs (NM_181742.5); c.692dup, p.Ser232fs (NM_001190882.3); short protein forms S222fs, S232fs, S306fs.
Identifiers: ClinVar variation 3625680 (VCV003625680.3).

ClinVar aggregate classification (germline): Pathogenic/Likely pathogenic. Review status: criteria provided, multiple submitters, no conflicts (2 of 4 stars). 2 submissions from 2 submitters: Pathogenic (1); Likely pathogenic (1). Last evaluated 2024-12-21.

Conditions:
ORC4-related disorders.

Submissions (2):

Labcorp Genetics (formerly Invitae), Labcorp
Classification: Pathogenic. Last evaluated: 2024-12-21. Review status: criteria provided, single submitter. Criteria: Invitae Variant Classification Sherloc (09022015). Collection method: clinical testing. Allele origin: germline.
Comment: This sequence change creates a premature translational stop signal (p.Ser306Lysfs*5) in the ORC4 gene. It is expected to result in an absent or disrupted protein product. Loss-of-function variants in ORC4 are known to be pathogenic (PMID: 21358631, 21358632, 22333897). This variant is present in population databases (rs750853397, gnomAD 0.004%). This variant has not been reported in the literature in individuals affected with ORC4-related conditions. For these reasons, this variant has been classified as Pathogenic.

Blueprint Genetics
Classification: Likely pathogenic for ORC4-related disorders. Last evaluated: 2024-04-09. Review status: criteria provided, single submitter. Criteria: ACMG Guidelines, 2015. Collection method: clinical testing. Allele origin: germline. Affected: yes. Observed: 5 variant alleles.

Literature cited by the submitters: PubMed 21358631 (cited by Labcorp Genetics (formerly Invitae), Labcorp); PubMed 21358632 (cited by Labcorp Genetics (formerly Invitae), Labcorp); PubMed 22333897 (cited by Labcorp Genetics (formerly Invitae), Labcorp).